The following is an entry in ClinVar:

NM_014915.3(ANKRD26):c.4405A>C (p.Met1469Leu)

Gene: ANKRD26 (ankyrin repeat domain 26; minus strand). Cytogenetic location: 10p12.1.
Variant type: single nucleotide variant.
Coding change: c.4405A>C on transcript NM_014915.3 (MANE Select); coding-DNA position 4405, A replaced by C.
Protein change: p.Met1469Leu; replaces methionine 1469 with leucine.
Molecular consequence: missense variant.
Genome position (GRCh38, 1-based): chr10:27,017,603, T>G on the plus strand (A>C on the coding strand, the complement: ANKRD26 is on the minus strand). VCF-style: chr10-27017603-T-G. GRCh37 (hg19) VCF-style: chr10-27306532-T-G.
Other names: c.4402A>C, p.Met1468Leu (NM_001256053.2); short protein forms M1468L, M1469L.
Identifiers: ClinVar variation 2898602 (VCV002898602.4), dbSNP rs2538571903, ClinGen allele CA376357465.

ClinVar aggregate classification (germline): Uncertain significance. Review status: criteria provided, multiple submitters, no conflicts (2 of 4 stars). 2 submissions from 2 submitters: Uncertain significance (2). Last evaluated 2025-02-16.

Conditions:
Inborn genetic diseases. Identifiers: MedGen C0950123, MeSH D030342.

Submissions (2):

Ambry Genetics
Classification: Uncertain significance for Inborn genetic diseases. Last evaluated: 2025-02-16. Review status: criteria provided, single submitter. Criteria: Ambry Variant Classification Scheme 2023. Collection method: clinical testing. Allele origin: germline.
Comment: The p.M1469L variant (also known as c.4405A>C), located in coding exon 30 of the ANKRD26 gene, results from an A to C substitution at nucleotide position 4405. The methionine at codon 1469 is replaced by leucine, an amino acid with highly similar properties. This amino acid position is conserved. In addition, this alteration is predicted to be tolerated by in silico analysis. Based on the available evidence, the clinical significance of this variant remains unclear.

Labcorp Genetics (formerly Invitae), Labcorp
Classification: Uncertain significance. Last evaluated: 2023-11-07. Review status: criteria provided, single submitter. Criteria: Invitae Variant Classification Sherloc (09022015). Collection method: clinical testing. Allele origin: germline.
Comment: This sequence change replaces methionine, which is neutral and non-polar, with leucine, which is neutral and non-polar, at codon 1469 of the ANKRD26 protein (p.Met1469Leu). This variant is not present in population databases (gnomAD no frequency). This variant has not been reported in the literature in individuals affected with ANKRD26-related conditions. An algorithm developed to predict the effect of missense changes on protein structure and function (PolyPhen-2) suggests that this variant is likely to be tolerated. In summary, the available evidence is currently insufficient to determine the role of this variant in disease. Therefore, it has been classified as a Variant of Uncertain Significance.